The following is an entry in ClinVar:

ClinVar aggregate classification (germline): Benign/Likely benign. Review status: criteria provided, multiple submitters, no conflicts (2 of 4 stars). 4 submissions from 4 submitters: Benign (1); Likely benign (2). 1 of the submissions does not count toward it. Last evaluated 2026-01-01.

Conditions:
SIPA1L3-related disorder. Also called: SIPA1L3-related condition.

Allele frequency attached by ClinVar (database versions not stated): 1000 Genomes Project 0.00240; 1000 Genomes Project 30x 0.00265; TOPMed 0.00419; ExAC 0.00421; gnomAD exomes 0.00422 and 0.00504; gnomAD 0.00440 and 0.00447; ESP Exome Variant Server 0.00507.
gnomAD v4.1: 7,976 of 1,614,210 alleles (0.49%); highest among the groups gnomAD compares: Non-Finnish European, 0.6%; 29 homozygotes.

Submissions (4):

Labcorp Genetics (formerly Invitae), Labcorp
Classification: Benign. Last evaluated: 2026-01-01. Review status: criteria provided, single submitter. Criteria: Invitae Variant Classification Sherloc (09022015). Collection method: clinical testing. Allele origin: germline.

CeGaT Center for Human Genetics Tuebingen
Classification: Likely benign. Last evaluated: 2025-12-01. Review status: criteria provided, single submitter. Criteria: CeGaT Center For Human Genetics Tuebingen Variant Classification Criteria Version 2. Collection method: clinical testing. Allele origin: germline. Affected: yes. Observed: 5 variant alleles.
Comment: SIPA1L3: BP4, BP7, BS2

Blueprint Genetics
Classification: Likely benign. Last evaluated: 2024-11-28. Review status: criteria provided, single submitter. Criteria: ACMG Guidelines, 2015. Collection method: clinical testing. Allele origin: germline.

PreventionGenetics, part of Exact Sciences
Classification: Benign for SIPA1L3-related condition. Last evaluated: 2019-09-13. Review status: no assertion criteria provided. Collection method: clinical testing. Allele origin: germline. Not counted in ClinVar's aggregate classification.
Comment: This variant is classified as benign based on ACMG/AMP sequence variant interpretation guidelines (Richards et al. 2015 PMID: 25741868, with internal and published modifications).

NM_015073.3(SIPA1L3):c.3732G>A (p.Pro1244=)

Gene: SIPA1L3 (signal induced proliferation associated 1 like 3; plus strand). Cytogenetic location: 19q13.13.
Variant type: single nucleotide variant.
Coding change: c.3732G>A on transcript NM_015073.3 (MANE Select); coding-DNA position 3732, G replaced by A.
Protein change: p.Pro1244=; no amino-acid change (proline 1244 retained).
Molecular consequence: synonymous variant.
Genome position (GRCh38, 1-based): chr19:38,162,323, G>A. VCF-style: chr19-38162323-G-A. GRCh37 (hg19) VCF-style: chr19-38652963-G-A.
Identifiers: ClinVar variation 774255 (VCV000774255.35), dbSNP rs62121443, ClinGen allele CA9410107.